The following is an entry in ClinVar:

ClinVar aggregate classification (germline): Benign/Likely benign. Review status: criteria provided, multiple submitters, no conflicts (2 of 4 stars). 5 submissions from 5 submitters: Benign (2); Likely benign (2). 1 of the submissions does not count toward it. Last evaluated 2026-03-02.

Conditions:
Familial cancer of breast. Also called: BREAST CANCER, FAMILIAL; Hereditary breast cancer; hereditary breast carcinoma. Identifiers: Orphanet 227535, MedGen C0346153, MONDO:0016419, OMIM 114480. Disease mechanism: loss of function.
ATM-related disorder. Also called: ATM-related disorders; ATM-related condition.
Hereditary cancer-predisposing syndrome. Also called: Neoplastic Syndromes, Hereditary; Tumor predisposition; Hereditary Cancer Syndrome; Hereditary neoplastic syndrome. Identifiers: Orphanet 140162, MedGen C0027672, MeSH D009386, MONDO:0015356.
Ataxia-telangiectasia syndrome (AT). Also called: LOUIS-BAR SYNDROME; Cerebello-oculocutaneous telangiectasia; Immunodeficiency with ataxia telangiectasia; Ataxia-telangiectasia, complementation group D; AT, COMPLEMENTATION GROUP C; ATAXIA-TELANGIECTASIA, COMPLEMENTATION GROUP A. Identifiers: Orphanet 100, MedGen C0004135, MONDO:0008840, OMIM 208900.

Submissions (5):

Ambry Genetics
Classification: Likely benign for Hereditary cancer-predisposing syndrome. Last evaluated: 2026-03-02. Review status: criteria provided, single submitter. Criteria: Ambry Variant Classification Scheme 2023. Collection method: clinical testing. Allele origin: germline.

Myriad Genetics, Inc.
Classification: Benign for Familial cancer of breast. Last evaluated: 2024-06-13. Review status: criteria provided, single submitter. Criteria: Myriad Autosomal Dominant, Autosomal Recessive and X-Linked Classification Criteria (2023). Collection method: clinical testing. Allele origin: unknown.
Comment: This variant is considered benign. This variant is a silent/synonymous amino acid change and it is not expected to impact splicing.

Labcorp Genetics (formerly Invitae), Labcorp
Classification: Likely benign for Ataxia-telangiectasia syndrome. Last evaluated: 2024-02-18. Review status: criteria provided, single submitter. Criteria: Invitae Variant Classification Sherloc (09022015). Collection method: clinical testing. Allele origin: germline.

GeneDx
Classification: Benign. Last evaluated: 2015-09-27. Review status: criteria provided, single submitter. Criteria: GeneDx Variant Classification Process June 2021. Collection method: clinical testing. Allele origin: germline. Affected: yes.

PreventionGenetics, part of Exact Sciences
Classification: Likely benign for ATM-related condition. Last evaluated: 2024-02-27. Review status: no assertion criteria provided. Collection method: clinical testing. Allele origin: germline. Not counted in ClinVar's aggregate classification.
Comment: This variant is classified as likely benign based on ACMG/AMP sequence variant interpretation guidelines (Richards et al. 2015 PMID: 25741868, with internal and published modifications).

NM_000051.4(ATM):c.7158A>G (p.Ala2386=)

Genes: ATM (ATM serine/threonine kinase; plus strand), C11orf65 (chromosome 11 open reading frame 65; minus strand). Cytogenetic location: 11q22.3.
Variant type: single nucleotide variant.
Coding change: c.7158A>G on transcript NM_000051.4 (MANE Select); coding-DNA position 7158, A replaced by G.
Protein change: p.Ala2386=; no amino-acid change (alanine 2386 retained).
Molecular consequence: synonymous variant. On other transcripts: intron variant (2).
Genome position (GRCh38, 1-based): chr11:108,329,089, A>G. VCF-style: chr11-108329089-A-G. GRCh37 (hg19) VCF-style: chr11-108199816-A-G.
Other names: c.7158A>G, p.Ala2386= (NM_001351834.2); c.641-20018T>C (NM_001330368.2); c.*38+6131T>C (NM_001351110.2).
Identifiers: ClinVar variation 1260070 (VCV001260070.10), dbSNP rs2136414393, ClinGen allele CA476676696.
Genomic context (GRCh38, chr11:108,329,089, plus strand): 5'-AGTTGCTGGAAATTATGATGGAGAAAGTAGTGATGAGCTAAGAAATGGAAAAATGAAGGC[A>G]TTTCTCTCATTAGCCCGGTTTTCAGATACTCAATACCAAAGAATTGAAAACTACATGAAA-3'
Protein context (NP_000042.3, residues 2376-2396): SDELRNGKMK[Ala2386=]FLSLARFSDT